The following is an entry in ClinVar:

ClinVar aggregate classification (germline): Uncertain significance (1 of 4 stars; one submission).

Submission:

GeneDx
Classification: Uncertain significance. Last evaluated: 2021-02-24. Review status: criteria provided, single submitter. Criteria: GeneDx Variant Classification Process June 2021. Collection method: clinical testing. Allele origin: germline. Affected: yes.
Comment: Not observed in large population cohorts (Lek et al., 2016); In silico analysis, which includes protein predictors and evolutionary conservation, supports a deleterious effect; Has not been previously published as pathogenic or benign to our knowledge

NM_006950.3(SYN1):c.28G>A (p.Asp10Asn)

Gene: SYN1 (synapsin I; minus strand). Cytogenetic location: Xp11.23.
Variant type: single nucleotide variant.
Coding change: c.28G>A on transcript NM_006950.3 (MANE Select); coding-DNA position 28, G replaced by A.
Protein change: p.Asp10Asn; replaces aspartic acid 10 with asparagine.
Molecular consequence: missense variant.
Genome position (GRCh38, 1-based): chrX:47,619,701, C>T on the plus strand (G>A on the coding strand, the complement: SYN1 is on the minus strand). VCF-style: chrX-47619701-C-T. GRCh37 (hg19) VCF-style: chrX-47479100-C-T.
Other names: c.28G>A, p.Asp10Asn (NM_133499.2); short protein forms D10N.
Identifiers: ClinVar variation 1314175 (VCV001314175.2), dbSNP rs2147933557, ClinGen allele CA412832296.